The following is an entry in ClinVar:

ClinVar aggregate classification (germline): Likely benign (3 of 4 stars; one submission).

Conditions:
Breast-ovarian cancer, familial, susceptibility to, 2 (BROVCA2). Also called: BRCA2 Hereditary Breast and Ovarian Cancer. Identifiers: Orphanet 145, MedGen C2675520, MONDO:0012933, OMIM 612555. Disease mechanism: loss of function.

Allele frequency attached by ClinVar (database versions not stated): gnomAD exomes below 0.00001 and 0.00001; ExAC 0.00002; gnomAD 0.00003.
gnomAD v4.1: 8 of 1,612,576 alleles (0.0005%); highest among the groups gnomAD compares: Non-Finnish European, 0.00034%; no homozygotes.

Submission:

Evidence-based Network for the Interpretation of Germline Mutant Alleles (ENIGMA)
Classification: Likely benign for Breast-ovarian cancer, familial, susceptibility to, 2. Last evaluated: 2017-06-29. Review status: reviewed by expert panel. Criteria: ENIGMA BRCA1/2 Classification Criteria (2017-06-29). Collection method: curation. Allele origin: germline.
Comment: Synonymous substitution variant, with low bioinformatic likelihood to result in a splicing aberration (Splicing prior probability 0.02).

NM_000059.4(BRCA2):c.5325A>G (p.Val1775=)

Gene: BRCA2 (BRCA2 DNA repair associated; plus strand). Cytogenetic location: 13q13.1.
Variant type: single nucleotide variant.
Coding change: c.5325A>G on transcript NM_000059.4 (MANE Select); coding-DNA position 5325, A replaced by G.
Protein change: p.Val1775=; no amino-acid change (valine 1775 retained).
Molecular consequence: synonymous variant.
Genome position (GRCh38, 1-based): chr13:32,339,680, A>G. VCF-style: chr13-32339680-A-G. GRCh37 (hg19) VCF-style: chr13-32913817-A-G.
Identifiers: ClinVar variation 427534 (VCV000427534.3), dbSNP rs766659380, ClinGen allele CA6940866.
Genomic context (GRCh38, chr13:32,339,680, plus strand): 5'-GGTATATAATGATTCAGGATATCTCTCAAAAAATAAACTTGATTCTGGTATTGAGCCAGT[A>G]TTGAAGAATGTTGAAGATCAAAAAAACACTAGTTTTTCCAAAGTAATATCCAATGTAAAA-3'
Protein context (NP_000050.3, residues 1765-1785): KNKLDSGIEP[Val1775=]LKNVEDQKNT